The following is an entry in ClinVar:

ClinVar aggregate classification (germline): Uncertain significance (1 of 4 stars; one submission).

Allele frequency attached by ClinVar (database versions not stated): ExAC 0.00002; gnomAD 0.00002 and 0.00003; gnomAD exomes 0.00002; TOPMed 0.00004; 1000 Genomes Project 30x 0.00016; 1000 Genomes Project 0.00020.
gnomAD v4.1: 13 of 1,613,614 alleles (0.00081%); highest among the groups gnomAD compares: Admixed American, 0.0067%; no homozygotes.

Submission:

Labcorp Genetics (formerly Invitae), Labcorp
Classification: Uncertain significance. Last evaluated: 2024-07-30. Review status: criteria provided, single submitter. Criteria: Invitae Variant Classification Sherloc (09022015). Collection method: clinical testing. Allele origin: germline.
Comment: This sequence change replaces glycine, which is neutral and non-polar, with serine, which is neutral and polar, at codon 234 of the MDH2 protein (p.Gly234Ser). This variant is present in population databases (rs539290697, gnomAD 0.009%). This variant has not been reported in the literature in individuals affected with MDH2-related conditions. ClinVar contains an entry for this variant (Variation ID: 1448814). Advanced modeling of protein sequence and biophysical properties (such as structural, functional, and spatial information, amino acid conservation, physicochemical variation, residue mobility, and thermodynamic stability) has been performed at Invitae for this missense variant, however the output from this modeling did not meet the statistical confidence thresholds required to predict the impact of this variant on MDH2 protein function. In summary, the available evidence is currently insufficient to determine the role of this variant in disease. Therefore, it has been classified as a Variant of Uncertain Significance.

NM_005918.4(MDH2):c.700G>A (p.Gly234Ser)

Gene: MDH2 (malate dehydrogenase 2; plus strand). Cytogenetic location: 7q11.23.
Variant type: single nucleotide variant.
Coding change: c.700G>A on transcript NM_005918.4 (MANE Select); coding-DNA position 700, G replaced by A.
Protein change: p.Gly234Ser; replaces glycine 234 with serine.
Molecular consequence: missense variant.
Genome position (GRCh38, 1-based): chr7:76,064,405, G>A. VCF-style: chr7-76064405-G-A. GRCh37 (hg19) VCF-style: chr7-75693723-G-A.
Other names: c.574G>A, p.Gly192Ser (NM_001282403.2); c.379G>A, p.Gly127Ser (NM_001282404.2); short protein forms G192S, G234S, G127S.
Identifiers: ClinVar variation 1448814 (VCV001448814.8), dbSNP rs539290697, ClinGen allele CA4305657.